The following is an entry in ClinVar:

NM_002633.3(PGM1):c.1465G>T (p.Gly489Cys)

Gene: PGM1 (phosphoglucomutase 1; plus strand). Cytogenetic location: 1p31.3.
Variant type: single nucleotide variant.
Coding change: c.1465G>T on transcript NM_002633.3 (MANE Select); coding-DNA position 1465, G replaced by T.
Protein change: p.Gly489Cys; replaces glycine 489 with cysteine.
Molecular consequence: missense variant.
Genome position (GRCh38, 1-based): chr1:63,654,332, G>T. VCF-style: chr1-63654332-G-T. GRCh37 (hg19) VCF-style: chr1-64120003-G-T.
Other names: c.1519G>T, p.Gly507Cys (NM_001172818.1); c.874G>T, p.Gly292Cys (NM_001172819.2); short protein forms G489C, G292C, G507C.
Identifiers: ClinVar variation 424227 (VCV000424227.2), dbSNP rs747867084, ClinGen allele CA889864.
Genomic context (GRCh38, chr1:63,654,332, plus strand): 5'-ATTTGCCAGCCTTCAGTCTCCCAGCATTTGGGGAAAAAAATCTCTGCTTATCTTTTCCAG[G>T]GCTTGCGCCTCATTTTCACAGATGGTTCTCGAATCGTCTTCCGACTGAGCGGCACTGGGA-3'
Protein context (NP_002624.2, residues 479-499): PVDGSISRNQ[Gly489Cys]LRLIFTDGSR

ClinVar aggregate classification (germline): Uncertain significance (1 of 4 stars; one submission).

Allele frequency attached by ClinVar (database versions not stated): ExAC 0.00002; gnomAD exomes 0.00002 and 0.00003; TOPMed 0.00002; gnomAD 0.00003 and 0.00004.
gnomAD v4.1: 34 of 1,613,734 alleles (0.0021%); highest among the groups gnomAD compares: Non-Finnish European, 0.00042%; no homozygotes.

Submission:

GeneDx
Classification: Uncertain significance. Last evaluated: 2018-02-12. Review status: criteria provided, single submitter. Criteria: GeneDx Variant Classification (06012015). Collection method: clinical testing. Allele origin: germline. Affected: yes.
Comment: The G489C variant has not been published as a pathogenic variant, nor has it been reported as a benign variant to our knowledge. The G489C variant is not observed at a significant frequency in large population cohorts (Lek et al., 2016; 1000 Genomes Consortium et al., 2015; Exome Variant Server). The G489C variant is a non-conservative amino acid substitution, which is likely to impact secondary protein structure as these residues differ in polarity, charge, size and/or other properties. This substitution occurs at a position that is conserved across species. In silico analysis predicts this variant is probably damaging to the protein structure/function. In summary, based on the currently available information, it is unclear whether this variant is a pathogenic variant or a rare benign variant.